The following is an entry in ClinVar:

ClinVar aggregate classification (germline): Uncertain significance (1 of 4 stars; one submission).

Conditions:
Inborn genetic diseases. Identifiers: MedGen C0950123, MeSH D030342.

Submission:

Ambry Genetics
Classification: Uncertain significance for Inborn genetic diseases. Last evaluated: 2026-04-04. Review status: criteria provided, single submitter. Criteria: Ambry Variant Classification Scheme 2023. Collection method: clinical testing. Allele origin: germline.
Comment: The p.Y207C variant (also known as c.620A>G), located in coding exon 5 of the HAX1 gene, results from an A to G substitution at nucleotide position 620. The tyrosine at codon 207 is replaced by cysteine, an amino acid with highly dissimilar properties. This amino acid position is conserved. In addition, the in silico prediction for this alteration is inconclusive. Based on the available evidence, the clinical significance of this variant remains unclear.

NM_006118.4(HAX1):c.620A>G (p.Tyr207Cys)

Gene: HAX1 (HCLS1 associated protein X-1; plus strand). Cytogenetic location: 1q21.3.
Variant type: single nucleotide variant.
Coding change: c.620A>G on transcript NM_006118.4 (MANE Select); coding-DNA position 620, A replaced by G.
Protein change: p.Tyr207Cys; replaces tyrosine 207 with cysteine.
Molecular consequence: missense variant.
Genome position (GRCh38, 1-based): chr1:154,275,217, A>G. VCF-style: chr1-154275217-A-G. GRCh37 (hg19) VCF-style: chr1-154247693-A-G.
Other names: c.476A>G, p.Tyr159Cys (NM_001018837.2); short protein forms Y159C, Y207C.
Identifiers: ClinVar variation 4858265 (VCV004858265.1).